The following is an entry in ClinVar:

ClinVar aggregate classification (germline): Uncertain significance. Review status: criteria provided, multiple submitters, no conflicts (2 of 4 stars). 5 submissions from 5 submitters: Uncertain significance (4). 1 of the submissions does not count toward it. Last evaluated 2025-07-16.

Conditions:
Hereditary breast ovarian cancer syndrome. Also called: Hereditary breast and ovarian cancer; Hereditary breast and/or ovarian cancer syndrome; BRCA1- and BRCA2-Associated Hereditary Breast and Ovarian Cancer; Hereditary breast and ovarian cancer syndrome; Hereditary breast and ovarian cancer syndrome (HBOC); Breast and ovarian cancer. Identifiers: Orphanet 145, MedGen C0677776, MeSH D061325, MONDO:0003582. Disease mechanism: loss of function.
Hereditary cancer-predisposing syndrome. Also called: Tumor predisposition; Hereditary Cancer Syndrome; Hereditary neoplastic syndrome; Neoplastic Syndromes, Hereditary. Identifiers: Orphanet 140162, MedGen C0027672, MeSH D009386, MONDO:0015356.
Malignant tumor of breast. Also called: Malignant breast neoplasm; Cancer breast. Identifiers: MedGen C0006142, MONDO:0007254. Disease mechanism: loss of function.

Allele frequency attached by ClinVar (database versions not stated): TOPMed below 0.00001.

Submissions (5):

Ambry Genetics
Classification: Uncertain significance for Hereditary cancer-predisposing syndrome. Last evaluated: 2025-07-16. Review status: criteria provided, single submitter. Criteria: Ambry Variant Classification Scheme 2023. Collection method: clinical testing. Allele origin: germline.
Comment: The c.68-1G>T intronic variant results from a G to T substitution one nucleotide upstream from coding exon 2 of the BRCA2 gene. This nucleotide position is highly conserved in available vertebrate species. In silico splice site analysis predicts that this alteration will weaken the native splice acceptor site and will result in the creation or strengthening of a novel splice acceptor site. RNA studies have demonstrated that close match alterations BRCA2 c.68-2A>G and BRCA2 c.68-1G>A, which have the same predicted RNA effect as this variant, result in substantial expression of multiple abnormal transcripts including a splice variant which is predicted to result in an in-frame loss of two amino acids as well as one that results in skipping of coding exon 2 (also known as exon 3 in the literature (Ambry internal data; Nix P et al. Fam Cancer, 2021 Jan; personal communication). The loss of coding exon 2 of is strongly associated with hereditary breast and ovarian cancer phenotype based on multifactorial analysis (Caputo SM et al. Oncotarget, 2018 Apr;9:17334-17348); however the functional and clinical impact of the small in-frame loss is unknown. Downstream functional studies showed that close-match alteration BRCA2 c.68-2A>G was able to rescue the growth defect in BRCA2-null mouse embryonic stem cells and that these surviving cells maintained partial activity in a homology directed DNA repair assay (personal communication). BRCA2 c.68-2A>G is also identified in patients who collectively have a phenotype that is not consistent with a high risk BRCA2 pathogenic variant (Nix P et al. Fam Cancer, 2021 Jan). Since supporting evidence is conflicting at this time, the clinical significance of this alteration remains unclear. It cannot yet be ruled out that this variant may be hypomorphic and present with reduced risks and/or biallelic phenotype.

Color Diagnostics, LLC DBA Color Health
Classification: Uncertain significance for Hereditary cancer-predisposing syndrome. Last evaluated: 2024-05-06. Review status: criteria provided, single submitter. Criteria: ACMG Guidelines, 2015. Collection method: clinical testing. Allele origin: germline.
Comment: This variant is located in intron 2 of the BRCA2 gene. It is predicted to abolish the intron 2 splice acceptor site at the AG dinucleotide at the 3' terminus of the intron. A RNA study has shown this variant produces an in-frame deletion of the first six nucleotides of exon 3 in a minigene assay (PMID: 35979650). RNA studies on similar canonical splice acceptor site variants, c.68-1G>A and c.68-2A>G, reported aberrant splicing with the major product being the predicted in-frame deletion of the first six 6 nucleotides in exon 3 (PMID: 32641407, 33469799). This variant has not been reported in individuals affected with BRCA2-related conditions in the literature. This variant has not been identified in the general population by the Genome Aggregation Database (gnomAD). The available evidence is insufficient to determine the role of this variant in disease conclusively. Therefore, this variant is classified as a Variant of Uncertain Significance.

Labcorp Genetics (formerly Invitae), Labcorp
Classification: Uncertain significance for Hereditary breast ovarian cancer syndrome. Last evaluated: 2023-09-26. Review status: criteria provided, single submitter. Criteria: Invitae Variant Classification Sherloc (09022015). Collection method: clinical testing. Allele origin: germline.
Comment: ClinVar contains an entry for this variant (Variation ID: 409412). In summary, the available evidence is currently insufficient to determine the role of this variant in disease. Therefore, it has been classified as a Variant of Uncertain Significance. Studies have shown that disruption of this splice site results in the activation of a cryptic splice site in exon 3 (PMID: 32641407, 33469799; Invitae). This variant has not been reported in the literature in individuals affected with BRCA2-related conditions. This variant is not present in population databases (gnomAD no frequency). This sequence change affects an acceptor splice site in intron 2 of the BRCA2 gene. RNA analysis indicates that disruption of this splice site induces altered splicing and likely results in the loss of 2 amino acid residue(s), but is expected to preserve the integrity of the reading-frame.

GeneDx
Classification: Uncertain significance. Last evaluated: 2023-07-05. Review status: criteria provided, single submitter. Criteria: GeneDx Variant Classification Process June 2021. Collection method: clinical testing. Allele origin: germline. Affected: yes.
Comment: Canonical splice site variant predicted to result in the in-frame skipping of exon 3, which is also a naturally-occurring isoform (Diez et al., 2007; Muller et al., 2011); Not observed at significant frequency in large population cohorts (gnomAD); Has not been previously published as pathogenic or benign to our knowledge; Also known as 296-1G>T; This variant is associated with the following publications: (PMID: 21939546, 17971607, 19609323, 32641407, 33469799, 29937994)

Department of Pathology and Laboratory Medicine, Sinai Health System
Classification: Pathogenic for Malignant tumor of breast. Review status: no assertion criteria provided. Collection method: clinical testing. Allele origin: unknown. Affected: yes. Study: The Canadian Open Genetics Repository (COGR). Not counted in ClinVar's aggregate classification.
Comment: The c.68-1G>T variant was not identified in the literature, nor was it identified in the dbSNP, NHLBI Exome Sequencing Project (Exome Variant Server), Exome Aggregation Consortium (ExAC), LOVD, COSMIC, ClinVar, GeneInsight COGR, BIC or UMD. The c.68-1G>T variant is predicted to cause abnormal splicing because the nucleotide substitution occurs in the invariant region of the splice consensus sequence. In addition, 4 of 5 in silico or computational prediction software programs (SpliceSiteFinder, MaxEntScan, NNSPLICE, GeneSplicer, HumanSpliceFinder) predict a greater than 10% difference in splicing. In summary, based on the above information, this variant meets our laboratoryâ€šÃ„Ã´s criteria to be classified as pathogenic.

Literature cited by the submitters: PubMed 32641407 (cited by Color Diagnostics, LLC DBA Color Health and Labcorp Genetics (formerly Invitae), Labcorp); PubMed 33469799 (cited by Color Diagnostics, LLC DBA Color Health and Labcorp Genetics (formerly Invitae), Labcorp); PubMed 35979650 (cited by Color Diagnostics, LLC DBA Color Health).

NM_000059.4(BRCA2):c.68-1G>T

Gene: BRCA2 (BRCA2 DNA repair associated; plus strand). Cytogenetic location: 13q13.1.
Variant type: single nucleotide variant.
Coding change: c.68-1G>T on transcript NM_000059.4 (MANE Select); the canonical splice acceptor site of the intron before coding-DNA position 68, G replaced by T.
Molecular consequence: splice acceptor variant.
Genome position (GRCh38, 1-based): chr13:32,319,076, G>T. VCF-style: chr13-32319076-G-T. GRCh37 (hg19) VCF-style: chr13-32893213-G-T.
Other names: c.68-1G>T (NM_001406720.1, NM_001406719.1, NM_001406721.1); c.-302-1G>T (NM_001406722.1).
Identifiers: ClinVar variation 409412 (VCV000409412.26), dbSNP rs1060502376, ClinGen allele CA16613801.